The following is an entry in ClinVar:

NM_144687.4(NLRP12):c.370+2T>G

Gene: NLRP12 (NLR family pyrin domain containing 12; minus strand). Cytogenetic location: 19q13.42.
Variant type: single nucleotide variant.
Coding change: c.370+2T>G on transcript NM_144687.4 (MANE Select); the canonical splice donor site of the intron after coding-DNA position 370, T replaced by G.
Molecular consequence: splice donor variant.
Genome position (GRCh38, 1-based): chr19:53,814,906, A>C on the plus strand (T>G on the coding strand, the complement: NLRP12 is on the minus strand). VCF-style: chr19-53814906-A-C. GRCh37 (hg19) VCF-style: chr19-54318160-A-C.
Other names: c.370+2T>G (NM_001277129.1, NM_001277126.2).
Identifiers: ClinVar variation 1353467 (VCV001353467.8), dbSNP rs202105388, ClinGen allele CA9639752.
Genomic context (GRCh38, chr19:53,814,906, plus strand): 5'-ACTCCGTGGGGTCAGCTGCTCTGTGTAGATGAATACATGTAGGTACATGGCTTGAGGCTC[A>C]CCTTTTCTTGGAGTGACAAGAGAGACTTCCAGAAGGCATGTTGACTGGTTCCCAAGTGAG-3'

ClinVar aggregate classification (germline): Uncertain significance (1 of 4 stars; one submission).

Conditions:
Familial cold autoinflammatory syndrome 2 (FCAS2). Identifiers: Orphanet 247868, MedGen C2673198, MONDO:0012724, OMIM 611762.

Allele frequency attached by ClinVar (database versions not stated): TOPMed below 0.00001; gnomAD 0.00001; gnomAD exomes 0.00001.
gnomAD v4.1: 14 of 1,613,212 alleles (0.00087%); highest among the groups gnomAD compares: Non-Finnish European, 0.0012%; no homozygotes.

Submission:

Labcorp Genetics (formerly Invitae), Labcorp
Classification: Uncertain significance for Familial cold autoinflammatory syndrome 2. Last evaluated: 2025-12-03. Review status: criteria provided, single submitter. Criteria: Invitae Variant Classification Sherloc (09022015). Collection method: clinical testing. Allele origin: germline.
Comment: This sequence change affects a donor splice site in intron 2 of the NLRP12 gene. It is expected to disrupt RNA splicing. Variants that disrupt the donor or acceptor splice site typically lead to a loss of protein function (PMID: 16199547), however the current clinical and genetic evidence is not sufficient to establish whether loss-of-function variants in NLRP12 cause disease. This variant is present in population databases (rs202105388, gnomAD 0.002%). This variant has not been reported in the literature in individuals affected with NLRP12-related conditions. ClinVar contains an entry for this variant (Variation ID: 1353467). Algorithms developed to predict the effect of sequence changes on RNA splicing suggest that this variant may disrupt the consensus splice site. In summary, the available evidence is currently insufficient to determine the role of this variant in disease. Therefore, it has been classified as a Variant of Uncertain Significance.

Literature cited by the submitters: PubMed 16199547.